The following is an entry in ClinVar:

NM_138694.4(PKHD1):c.59A>G (p.His20Arg)

Gene: PKHD1 (PKHD1 ciliary IPT domain containing fibrocystin/polyductin; minus strand). Cytogenetic location: 6p12.2.
Variant type: single nucleotide variant.
Coding change: c.59A>G on transcript NM_138694.4 (MANE Select); coding-DNA position 59, A replaced by G.
Protein change: p.His20Arg; replaces histidine 20 with arginine.
Molecular consequence: missense variant.
Genome position (GRCh38, 1-based): chr6:52,083,249, T>C on the plus strand (A>G on the coding strand, the complement: PKHD1 is on the minus strand). VCF-style: chr6-52083249-T-C. GRCh37 (hg19) VCF-style: chr6-51948047-T-C.
Other names: c.59A>G, p.His20Arg (NM_170724.3); short protein forms H20R.
Identifiers: ClinVar variation 3365890 (VCV003365890.1).
Genomic context (GRCh38, chr6:52,083,249, plus strand): 5'-ACTGTGATCCACGTTCCCCCTGCAAGGCTACCTTCTTCAGGTTCAATATGTAAACTCAGG[T>C]GACGTACTGTAAGTAAGTGAAAAAAAACATTGGTTTTGAAGGTCAGATTCAAACCACTAC-3'
Protein context (NP_619639.3, residues 10-30): SIEVLLLAVR[His20Arg]LSLHIEPEEG

ClinVar aggregate classification (germline): Uncertain significance (1 of 4 stars; one submission).

gnomAD v4.1: 10 of 1,601,266 alleles (0.00062%); highest among the groups gnomAD compares: African/African-American, 0.011%; 1 homozygote.

Submission:

GeneDx
Classification: Uncertain significance. Last evaluated: 2023-12-19. Review status: criteria provided, single submitter. Criteria: GeneDx Variant Classification Process June 2021. Collection method: clinical testing. Allele origin: germline. Affected: yes.
Comment: Not observed at significant frequency in large population cohorts (gnomAD); In silico analysis supports that this missense variant does not alter protein structure/function; Has not been previously published as pathogenic or benign to our knowledge